The following is an entry in ClinVar:

ClinVar aggregate classification (germline): Uncertain significance (1 of 4 stars; one submission).

Conditions:
Inborn genetic diseases. Identifiers: MedGen C0950123, MeSH D030342.

Submission:

Ambry Genetics
Classification: Uncertain significance for Inborn genetic diseases. Last evaluated: 2025-11-23. Review status: criteria provided, single submitter. Criteria: Ambry Variant Classification Scheme 2023. Collection method: clinical testing. Allele origin: germline.
Comment: The p.H166R variant (also known as c.497A>G), located in coding exon 3 of the MBD4 gene, results from an A to G substitution at nucleotide position 497. The histidine at codon 166 is replaced by arginine, an amino acid with highly similar properties. This amino acid position is conserved. In addition, this alteration is predicted to be tolerated by in silico analysis. Based on the available evidence, the clinical significance of this variant remains unclear.

NM_001276270.2(MBD4):c.497A>G (p.His166Arg)

Gene: MBD4 (methyl-CpG binding domain 4, DNA glycosylase; minus strand). Cytogenetic location: 3q21.3.
Variant type: single nucleotide variant.
Coding change: c.497A>G on transcript NM_001276270.2 (MANE Select); coding-DNA position 497, A replaced by G.
Protein change: p.His166Arg; replaces histidine 166 with arginine.
Molecular consequence: missense variant. On other transcripts: intron variant (1).
Genome position (GRCh38, 1-based): chr3:129,437,147, T>C on the plus strand (A>G on the coding strand, the complement: MBD4 is on the minus strand). VCF-style: chr3-129437147-T-C. GRCh37 (hg19) VCF-style: chr3-129155990-T-C.
Other names: c.497A>G, p.His166Arg (NM_001276271.2, NM_001276272.2, NM_003925.3); c.247+661A>G (NM_001276273.2); short protein forms H166R.
Identifiers: ClinVar variation 4624427 (VCV004624427.1).
Genomic context (GRCh38, chr3:129,437,147, plus strand): 5'-TTTTTGCACTTGCTTCGGGTCCTGAGGTTCCAGTTTGAATTGTTACTTTGGTTTTGTAGA[T>C]GGGATGTCAGGGCTGCCATGCTGCAGTCTTTATATCTTGACTTGATACCCCTTTTAGAAA-3'
Protein context (NP_001263199.1, residues 156-176): KDCSMAALTS[His166Arg]LQNQSNNSNW